The following is an entry in ClinVar:

ClinVar aggregate classification (germline): Likely benign (1 of 4 stars; one submission).

Conditions:
PPOX-related disorder. Also called: PPOX-related condition.

Submission:

PreventionGenetics, part of Exact Sciences
Classification: Likely benign for PPOX-related condition. Last evaluated: 2026-03-19. Review status: criteria provided, single submitter. Criteria: ACMG Guidelines, 2015. Collection method: clinical testing. Allele origin: germline.
Comment: This variant is classified as likely benign based on ACMG/AMP sequence variant interpretation guidelines (Richards et al. 2015 PMID: 25741868, with internal and published modifications).

NM_001122764.3(PPOX):c.-14T>C

Gene: PPOX (protoporphyrinogen oxidase; plus strand). Cytogenetic location: 1q23.3.
Variant type: single nucleotide variant.
Coding change: c.-14T>C on transcript NM_001122764.3 (MANE Select); 14 bases upstream of the start codon, T replaced by C.
Molecular consequence: 5 prime UTR variant. On other transcripts: intron variant (4).
Genome position (GRCh38, 1-based): chr1:161,166,667, T>C. VCF-style: chr1-161166667-T-C. GRCh37 (hg19) VCF-style: chr1-161136457-T-C.
Other names: c.-14T>C (NM_001350128.2, NM_001365399.1); c.-441T>C (NM_001350129.2); c.-532T>C (NM_001350130.2); c.-89T>C (NM_001365398.1); c.-413+56T>C (NM_001350131.2); c.-9+56T>C (NM_000309.5); c.-320+56T>C (NM_001365400.1); c.-379+56T>C (NM_001365401.1).
Identifiers: ClinVar variation 4982235 (VCV004982235.1).